The following is an entry in ClinVar:

GRCh38/hg38 22q13.32-13.33(chr22:48654672-50739836)x1

Genes: MAPK11 (mitogen-activated protein kinase 11; minus strand), MAPK12 (mitogen-activated protein kinase 12; minus strand), MAPK8IP2 (mitogen-activated protein kinase 8 interacting protein 2; plus strand), MIOX (myo-inositol oxygenase; plus strand), MIR12114 (microRNA 12114; plus strand) and 202 more. Cytogenetic location: 22q13.32-13.33.
Variant type: copy number loss.
Change: copy number 1 (one copy instead of two) of chr22:48,654,672-50,739,836 (2.09 Mb, GRCh38 coordinates, 1-based), cytogenetic band 22q13.32-13.33.
Identifiers: ClinVar variation 57703 (VCV000057703.1).

ClinVar aggregate classification (germline): Pathogenic (1 of 4 stars; one submission).

Submission:

ISCA site 17
Classification: Pathogenic. Last evaluated: 2011-08-12. Review status: criteria provided, single submitter. Criteria: Kaminsky et al. (Genet Med. 2011). Collection method: clinical testing. Allele origin: unknown. Affected: yes. Observed: 1 variant allele.
Comment: Copy number variation identified through the course of routine clinical cytogenomic testing in postnatal populations. Clinical assertions have been curated as described in Kaminsky et al. 2011.